The following is an entry in ClinVar:

ClinVar aggregate classification (germline): Benign/Likely benign. Review status: criteria provided, multiple submitters, no conflicts (2 of 4 stars). 5 submissions from 5 submitters: Benign (3); Likely benign (1). 1 of the submissions does not count toward it. Last evaluated 2023-11-01.

Conditions:
Inborn genetic diseases. Identifiers: MedGen C0950123, MeSH D030342.
NLGN3-related disorder. Also called: NLGN3-related condition.

Allele frequency attached by ClinVar (database versions not stated): ESP Exome Variant Server 0.00038; 1000 Genomes Project 30x 0.00042; TOPMed 0.00048; gnomAD exomes 0.00049 and 0.00081; ExAC 0.00056; gnomAD 0.00064 and 0.00065.
gnomAD v4.1: 948 of 1,211,598 alleles (0.078%); highest among the groups gnomAD compares: Non-Finnish European, 0.1%; 1 homozygote.

Submissions (6):

CeGaT Center for Human Genetics Tuebingen
Classification: Likely benign. Last evaluated: 2023-11-01. Review status: criteria provided, single submitter. Criteria: CeGaT Center For Human Genetics Tuebingen Variant Classification Criteria Version 2. Collection method: clinical testing. Allele origin: germline. Affected: yes. Observed: 2 variant alleles.
Comment: NLGN3: BS2

Labcorp Genetics (formerly Invitae), Labcorp
Classification: Benign. Last evaluated: 2018-10-02. Review status: criteria provided, single submitter. Criteria: Invitae Variant Classification Sherloc (09022015). Collection method: clinical testing. Allele origin: germline.

Ambry Genetics
Classification: Benign for Inborn genetic diseases. Last evaluated: 2018-03-20. Review status: criteria provided, single submitter. Criteria: Ambry Variant Classification Scheme 2023. Collection method: clinical testing. Allele origin: germline.

Genetic Services Laboratory, University of Chicago
Classification: Benign. Last evaluated: 2017-08-28. Review status: criteria provided, single submitter. Criteria: ACMG Guidelines, 2015. Collection method: clinical testing. Allele origin: germline. Affected: no.

PreventionGenetics, part of Exact Sciences
Classification: Likely benign for NLGN3-related condition. Last evaluated: 2020-01-28. Review status: no assertion criteria provided. Collection method: clinical testing. Allele origin: germline. Not counted in ClinVar's aggregate classification.
Comment: This variant is classified as likely benign based on ACMG/AMP sequence variant interpretation guidelines (Richards et al. 2015 PMID: 25741868, with internal and published modifications).

Dr. Peter K. Rogan Lab, Western University
No classification provided (evidence only). Condition: Adrenocortical carcinoma, hereditary. Review status: no classification provided. Collection method: in vitro. Allele origin: not applicable. Functional consequence: retained intron. Not counted in ClinVar's aggregate classification.

NM_181303.2(NLGN3):c.807C>T (p.Ser269=)

Gene: NLGN3 (neuroligin 3; plus strand). Cytogenetic location: Xq13.1.
Variant type: single nucleotide variant.
Coding change: c.807C>T on transcript NM_181303.2 (MANE Select); coding-DNA position 807, C replaced by T.
Protein change: p.Ser269=; no amino-acid change (serine 269 retained).
Molecular consequence: synonymous variant.
Genome position (GRCh38, 1-based): chrX:71,164,222, C>T. VCF-style: chrX-71164222-C-T. GRCh37 (hg19) VCF-style: chrX-70384072-C-T.
Other names: NC_000023.10:g.70384072C>T; c.687C>T, p.Ser229= (NM_001166660.2); c.396C>T, p.Ser132= (NM_001321276.2); c.747C>T, p.Ser249= (NM_018977.4).
Identifiers: ClinVar variation 722540 (VCV000722540.45), dbSNP rs151276700, ClinGen allele CA10445086.